The following is an entry in ClinVar:

ClinVar aggregate classification (germline): Uncertain significance (1 of 4 stars; one submission).

Conditions:
Hereditary cancer-predisposing syndrome. Also called: Tumor predisposition; Hereditary Cancer Syndrome; Hereditary neoplastic syndrome; Neoplastic Syndromes, Hereditary. Identifiers: Orphanet 140162, MedGen C0027672, MeSH D009386, MONDO:0015356.

Submission:

Ambry Genetics
Classification: Uncertain significance for Hereditary cancer-predisposing syndrome. Last evaluated: 2024-05-30. Review status: criteria provided, single submitter. Criteria: Ambry Variant Classification Scheme 2023. Collection method: clinical testing. Allele origin: germline.
Comment: The p.M830I variant (also known as c.2490G>A), located in coding exon 15 of the ALK gene, results from a G to A substitution at nucleotide position 2490. The methionine at codon 830 is replaced by isoleucine, an amino acid with highly similar properties. This amino acid position is conserved. In addition, this alteration is predicted to be tolerated by in silico analysis. Based on the available evidence, the clinical significance of this variant remains unclear.

NM_004304.5(ALK):c.2490G>A (p.Met830Ile)

Gene: ALK (ALK receptor tyrosine kinase; minus strand). Cytogenetic location: 2p23.2.
Variant type: single nucleotide variant.
Coding change: c.2490G>A on transcript NM_004304.5 (MANE Select); coding-DNA position 2490, G replaced by A.
Protein change: p.Met830Ile; replaces methionine 830 with isoleucine.
Molecular consequence: missense variant.
Genome position (GRCh38, 1-based): chr2:29,232,446, C>T on the plus strand (G>A on the coding strand, the complement: ALK is on the minus strand). VCF-style: chr2-29232446-C-T. GRCh37 (hg19) VCF-style: chr2-29455312-C-T.
Other names: short protein forms M830I.
Identifiers: ClinVar variation 3286333 (VCV003286333.1).